The following is an entry in ClinVar:

NM_005045.4(RELN):c.980A>G (p.Gln327Arg)

Gene: RELN (reelin; minus strand). Cytogenetic location: 7q22.1.
Variant type: single nucleotide variant.
Coding change: c.980A>G on transcript NM_005045.4 (MANE Select); coding-DNA position 980, A replaced by G.
Protein change: p.Gln327Arg; replaces glutamine 327 with arginine.
Molecular consequence: missense variant.
Genome position (GRCh38, 1-based): chr7:103,698,016, T>C on the plus strand (A>G on the coding strand, the complement: RELN is on the minus strand). VCF-style: chr7-103698016-T-C. GRCh37 (hg19) VCF-style: chr7-103338463-T-C.
Other names: c.980A>G, p.Gln327Arg (NM_173054.3); short protein forms Q327R.
Identifiers: ClinVar variation 851382 (VCV000851382.10), dbSNP rs890609228, ClinGen allele CA163868209.

ClinVar aggregate classification (germline): Uncertain significance. Review status: criteria provided, multiple submitters, no conflicts (2 of 4 stars). 2 submissions from 2 submitters: Uncertain significance (2). Last evaluated 2025-09-16.

Conditions:
Norman-Roberts syndrome (LIS2). Also called: Lissencephaly 2 (Norman-Roberts type). Identifiers: Orphanet 89844, MedGen C0796089, MONDO:0009760, OMIM 257320.
Familial temporal lobe epilepsy 7. Identifiers: Orphanet 101046, MedGen C4225327, MONDO:0014639, OMIM 616436.
Inborn genetic diseases. Identifiers: MedGen C0950123, MeSH D030342.

Allele frequency attached by ClinVar (database versions not stated): gnomAD exomes 0.00001; gnomAD 0.00002; TOPMed 0.00002.
gnomAD v4.1: 8 of 1,613,692 alleles (0.0005%); highest among the groups gnomAD compares: Admixed American, 0.0033%; no homozygotes.

Submissions (2):

Labcorp Genetics (formerly Invitae), Labcorp
Classification: Uncertain significance for Familial temporal lobe epilepsy 7; Norman-Roberts syndrome. Last evaluated: 2025-09-16. Review status: criteria provided, single submitter. Criteria: Invitae Variant Classification Sherloc (09022015). Collection method: clinical testing. Allele origin: germline.
Comment: This sequence change replaces glutamine, which is neutral and polar, with arginine, which is basic and polar, at codon 327 of the RELN protein (p.Gln327Arg). This variant is present in population databases (no rsID available, gnomAD 0.003%). This variant has not been reported in the literature in individuals affected with RELN-related conditions. ClinVar contains an entry for this variant (Variation ID: 851382). Invitae Evidence Modeling of protein sequence and biophysical properties (such as structural, functional, and spatial information, amino acid conservation, physicochemical variation, residue mobility, and thermodynamic stability) indicates that this missense variant is not expected to disrupt RELN protein function with a negative predictive value of 80%. In summary, the available evidence is currently insufficient to determine the role of this variant in disease. Therefore, it has been classified as a Variant of Uncertain Significance.

Ambry Genetics
Classification: Uncertain significance for Inborn genetic diseases. Last evaluated: 2024-03-01. Review status: criteria provided, single submitter. Criteria: Ambry Variant Classification Scheme 2023. Collection method: clinical testing. Allele origin: germline.